The following is an entry in ClinVar:

ClinVar aggregate classification (germline): Uncertain significance (1 of 4 stars; one submission).

Submission:

Labcorp Genetics (formerly Invitae), Labcorp
Classification: Uncertain significance. Last evaluated: 2024-05-09. Review status: criteria provided, single submitter. Criteria: Invitae Variant Classification Sherloc (09022015). Collection method: clinical testing. Allele origin: germline.
Comment: This sequence change falls in intron 3 of the KAT6A gene. It does not directly change the encoded amino acid sequence of the KAT6A protein. It affects a nucleotide within the consensus splice site. This variant is present in population databases (no rsID available, gnomAD 0.0009%). This variant has not been reported in the literature in individuals affected with KAT6A-related conditions. Variants that disrupt the consensus splice site are a relatively common cause of aberrant splicing (PMID: 17576681, 9536098). Experimental studies and prediction algorithms are not available or were not evaluated, and the effect of this variant on mRNA splicing is currently unknown. In summary, the available evidence is currently insufficient to determine the role of this variant in disease. Therefore, it has been classified as a Variant of Uncertain Significance.

Literature cited by the submitters: PubMed 17576681; PubMed 9536098.

NM_006766.5(KAT6A):c.710-2_710-1insAAAC

Gene: KAT6A (lysine acetyltransferase 6A; minus strand). Cytogenetic location: 8p11.21.
Variant type: Insertion.
Coding change: c.710-2_710-1insAAAC on transcript NM_006766.5 (MANE Select); the canonical splice acceptor site of the intron before coding-DNA position 710, AAAC inserted.
Molecular consequence: splice acceptor variant.
Genome position: GRCh38 VCF-style: chr8-41981955-C-CTGTT. GRCh37 (hg19) VCF-style: chr8-41839473-C-CTGTT.
Other names: c.710-2_710-1insAAAC (NM_001305878.2).
Identifiers: ClinVar variation 3686684 (VCV003686684.2).